The following is an entry in ClinVar:

ClinVar aggregate classification (germline): Uncertain significance (1 of 4 stars; one submission).

Conditions:
Familial cancer of breast. Also called: Hereditary breast cancer; hereditary breast carcinoma; BREAST CANCER, FAMILIAL. Identifiers: Orphanet 227535, MedGen C0346153, MONDO:0016419, OMIM 114480. Disease mechanism: loss of function.

Submission:

Labcorp Genetics (formerly Invitae), Labcorp
Classification: Uncertain significance for Familial cancer of breast. Last evaluated: 2020-05-06. Review status: criteria provided, single submitter. Criteria: Invitae Variant Classification Sherloc (09022015). Collection method: clinical testing. Allele origin: germline.
Comment: This sequence change falls in intron 6 of the PALB2 gene. It does not directly change the encoded amino acid sequence of the PALB2 protein, but it affects a nucleotide within the consensus splice site of the intron. This variant is not present in population databases (ExAC no frequency). In summary, the available evidence is currently insufficient to determine the role of this variant in disease. Therefore, it has been classified as a Variant of Uncertain Significance. Nucleotide substitutions within the consensus splice site are a relatively common cause of aberrant splicing (PMID: 17576681, 9536098). Algorithms developed to predict the effect of sequence changes on RNA splicing suggest that this variant is not likely to affect RNA splicing, but this prediction has not been confirmed by published transcriptional studies. This variant has not been reported in the literature in individuals with PALB2-related conditions.

Literature cited by the submitters: PubMed 17576681; PubMed 9536098.

NM_024675.4(PALB2):c.2586+6A>G

Gene: PALB2 (partner and localizer of BRCA2; minus strand). Cytogenetic location: 16p12.2.
Variant type: single nucleotide variant.
Coding change: c.2586+6A>G on transcript NM_024675.4 (MANE Select); 6 bases into the intron after coding-DNA position 2586, A replaced by G.
Molecular consequence: intron variant.
Genome position (GRCh38, 1-based): chr16:23,629,198, T>C on the plus strand (A>G on the coding strand, the complement: PALB2 is on the minus strand). VCF-style: chr16-23629198-T-C. GRCh37 (hg19) VCF-style: chr16-23640519-T-C.
Identifiers: ClinVar variation 1006556 (VCV001006556.9), dbSNP rs1966853543, ClinGen allele CA2213420857.